The following is an entry in ClinVar:

NM_001267550.2(TTN):c.9610_9623del (p.His3203_Arg3204insTer)

Gene: TTN (titin; minus strand). Cytogenetic location: 2q31.2.
Variant type: Deletion.
Coding change: c.9610_9623del on transcript NM_001267550.2 (MANE Select); coding-DNA positions 9610 to 9623, 14 bases deleted (CGAATGTTTATCTC).
Protein change: p.His3203_Arg3204insTer.
Molecular consequence: nonsense.
Genome position (GRCh38, 1-based): chr2:178,766,461-178,766,474, GAGATAAACATTCG deleted on the plus strand (CGAATGTTTATCTC on the coding strand, the reverse complement: TTN is on the minus strand); deleting any 14 consecutive bases within chr2:178,766,461-178,766,475 gives the same sequence; the c. name uses the placement nearest the transcript's 3' end. VCF-style (leftmost placement, unchanged base first): chr2-178766460-AGAGATAAACATTCG-A. GRCh37 (hg19) VCF-style: chr2-179631187-AGAGATAAACATTCG-A.
Other names: c.9610_9623del, p.His3203_Arg3204insTer (NM_001256850.1, NM_133378.4, NM_133379.5); c.9472_9485del, p.His3157_Arg3158insTer (NM_003319.4, NM_133432.3, NM_133437.4).
Identifiers: ClinVar variation 4856856 (VCV004856856.2).

ClinVar aggregate classification (germline): Likely pathogenic (1 of 4 stars; one submission).

Submission:

Dasa
Classification: Likely pathogenic. Last evaluated: 2024-11-18. Review status: criteria provided, single submitter. Criteria: DASA Assertion Criteria. Collection method: clinical testing. Allele origin: germline.
Comment: NM_001267550.2(TTN):c.9610_9623del (p.Arg3204*) is a nonsense variant in TTN predicted to introduce a premature termination codon and is predicted to result in an absent or altered protein product. Loss of function is an established disease mechanism for TTN-associated disorders. Also, this variant is absent from population databases. Based on the currently available evidence, this variant is classified as likely pathogenic.